The following is an entry in ClinVar:

ClinVar aggregate classification (germline): Conflicting classifications of pathogenicity. Review status: criteria provided, conflicting classifications (1 of 4 stars). 3 submissions from 3 submitters: Uncertain significance (2); Likely benign (1). Last evaluated 2025-09-03.

Conditions:
Familial thoracic aortic aneurysm and aortic dissection (TAAD). Also called: Thoracic aortic aneurysms and dissections. Identifiers: Orphanet 91387, MedGen C4707243, MONDO:0019625.
Marfan syndrome (MFS). Also called: MARFAN SYNDROME, TYPE I; Marfan syndrome type 1; Marfan's syndrome; Marfan syndrome, classic; FBN1-Related Marfan Syndrome. Identifiers: Orphanet 284963, Orphanet 558, MedGen C0024796, MONDO:0007947, OMIM 154700.

Allele frequency attached by ClinVar (database versions not stated): gnomAD 0.00001; gnomAD exomes 0.00001; ExAC 0.00001.
gnomAD v4.1: 8 of 1,614,046 alleles (0.0005%); highest among the groups gnomAD compares: South Asian, 0.0088%; no homozygotes.

Submissions (3):

Labcorp Genetics (formerly Invitae), Labcorp
Classification: Likely benign for Marfan syndrome; Familial thoracic aortic aneurysm and aortic dissection. Last evaluated: 2025-09-03. Review status: criteria provided, single submitter. Criteria: Invitae Variant Classification Sherloc (09022015). Collection method: clinical testing. Allele origin: germline.

GeneDx
Classification: Uncertain significance. Last evaluated: 2025-03-10. Review status: criteria provided, single submitter. Criteria: GeneDx Variant Classification Process June 2021. Collection method: clinical testing. Allele origin: germline. Affected: yes.
Comment: Has not been previously published as pathogenic or benign to our knowledge; Not observed at significant frequency in large population cohorts (gnomAD); Does not affect a cysteine or calcium-binding residue within an EGF-like domain or a TGF-binding protein domain of the FBN1 gene; cysteine substitutions in the EGF-like domains represent the majority of pathogenic missense changes associated with FBN1-related disorders (PMID: 12938084); In silico analysis indicates that this missense variant does not alter protein structure/function; This variant is associated with the following publications: (PMID: 12938084)

Color Diagnostics, LLC DBA Color Health
Classification: Uncertain significance for Familial thoracic aortic aneurysm and aortic dissection. Last evaluated: 2022-11-08. Review status: criteria provided, single submitter. Criteria: ACMG Guidelines, 2015. Collection method: clinical testing. Allele origin: germline.
Comment: This missense variant replaces valine with isoleucine at codon 892 of the FBN1 protein. Computational prediction suggests that this variant may not impact protein structure and function (internally defined REVEL score threshold <= 0.5, PMID: 27666373). To our knowledge, functional studies have not been reported for this variant. This variant has not been reported in individuals affected with FBN1-related disorders in the literature. This variant has been identified in 2/251210 chromosomes in the general population by the Genome Aggregation Database (gnomAD). The available evidence is insufficient to determine the role of this variant in disease conclusively. Therefore, this variant is classified as a Variant of Uncertain Significance.

NM_000138.5(FBN1):c.2674G>A (p.Val892Ile)

Gene: FBN1 (fibrillin 1; minus strand). Cytogenetic location: 15q21.1.
Variant type: single nucleotide variant.
Coding change: c.2674G>A on transcript NM_000138.5 (MANE Select); coding-DNA position 2674, G replaced by A.
Protein change: p.Val892Ile; replaces valine 892 with isoleucine.
Molecular consequence: missense variant.
Genome position (GRCh38, 1-based): chr15:48,495,126, C>T on the plus strand (G>A on the coding strand, the complement: FBN1 is on the minus strand). VCF-style: chr15-48495126-C-T. GRCh37 (hg19) VCF-style: chr15-48787323-C-T.
Other names: c.2674G>A, p.Val892Ile (NM_001406716.1); short protein forms V892I.
Identifiers: ClinVar variation 2170695 (VCV002170695.7), dbSNP rs758357747, ClinGen allele CA048337.